The following is an entry in ClinVar:

NM_001352754.2(ARMC9):c.1462C>T (p.Leu488Phe)

Gene: ARMC9 (armadillo repeat containing 9; plus strand). Cytogenetic location: 2q37.1.
Variant type: single nucleotide variant.
Coding change: c.1462C>T on transcript NM_001352754.2 (MANE Select); coding-DNA position 1462, C replaced by T.
Protein change: p.Leu488Phe; replaces leucine 488 with phenylalanine.
Molecular consequence: missense variant. On other transcripts: non-coding transcript variant (1).
Genome position (GRCh38, 1-based): chr2:231,276,763, C>T. VCF-style: chr2-231276763-C-T. GRCh37 (hg19) VCF-style: chr2-232141476-C-T.
Other names: c.1462C>T, p.Leu488Phe (NM_001271466.4, NM_001291656.2, NM_001352755.2 and 3 more transcripts); c.1363C>T, p.Leu455Phe (NM_001352757.2, NM_001352758.2); short protein forms L488F, L455F.
Identifiers: ClinVar variation 1906791 (VCV001906791.2), dbSNP rs1217845207, ClinGen allele CA350955939.

ClinVar aggregate classification (germline): Uncertain significance (1 of 4 stars; one submission).

Allele frequency attached by ClinVar (database versions not stated): gnomAD exomes below 0.00001; TOPMed below 0.00001.
gnomAD v4.1: 2 of 1,614,128 alleles (0.00012%); highest among the groups gnomAD compares: Admixed American, 0.0033%; no homozygotes.

Submission:

Labcorp Genetics (formerly Invitae), Labcorp
Classification: Uncertain significance. Last evaluated: 2022-08-05. Review status: criteria provided, single submitter. Criteria: Invitae Variant Classification Sherloc (09022015). Collection method: clinical testing. Allele origin: germline.
Comment: This sequence change replaces leucine, which is neutral and non-polar, with phenylalanine, which is neutral and non-polar, at codon 488 of the ARMC9 protein (p.Leu488Phe). This variant is present in population databases (no rsID available, gnomAD 0.003%). This variant has not been reported in the literature in individuals affected with ARMC9-related conditions. Experimental studies and prediction algorithms are not available or were not evaluated, and the functional significance of this variant is currently unknown. In summary, the available evidence is currently insufficient to determine the role of this variant in disease. Therefore, it has been classified as a Variant of Uncertain Significance.